The following is an entry in ClinVar:

NM_001080476.3(GRXCR1):c.627+8A>C

Gene: GRXCR1 (glutaredoxin and cysteine rich domain containing 1; plus strand). Cytogenetic location: 4p13.
Variant type: single nucleotide variant.
Coding change: c.627+8A>C on transcript NM_001080476.3 (MANE Select); 8 bases into the intron after coding-DNA position 627, A replaced by C.
Molecular consequence: intron variant.
Genome position (GRCh38, 1-based): chr4:42,963,142, A>C. VCF-style: chr4-42963142-A-C. GRCh37 (hg19) VCF-style: chr4-42965159-A-C.
Other names: p.?.
Identifiers: ClinVar variation 43888 (VCV000043888.25), dbSNP rs10213360, ClinGen allele CA133097.

ClinVar aggregate classification (germline): Benign. Review status: criteria provided, multiple submitters, no conflicts (2 of 4 stars). 10 submissions from 10 submitters: Benign (8). 2 of the submissions do not count toward it. Last evaluated 2026-02-04.

Conditions:
Autosomal recessive nonsyndromic hearing loss 25. Identifiers: Orphanet 90636, MedGen C1414017, MONDO:0013210, OMIM 613285.

Allele frequency attached by ClinVar (database versions not stated): ESP Exome Variant Server 0.82518; TOPMed 0.84420; 1000 Genomes Project 30x 0.85369; 1000 Genomes Project 0.85503.
gnomAD v4.1: 1,283,673 of 1,611,240 alleles (80%); highest among the groups gnomAD compares: East Asian, 99%; 514,029 homozygotes.

Submissions (10):

Labcorp Genetics (formerly Invitae), Labcorp
Classification: Benign. Last evaluated: 2026-02-04. Review status: criteria provided, single submitter. Criteria: Invitae Variant Classification Sherloc (09022015). Collection method: clinical testing. Allele origin: germline.

Genome-Nilou Lab
Classification: Benign for Autosomal recessive nonsyndromic hearing loss 25. Last evaluated: 2021-08-10. Review status: criteria provided, single submitter. Criteria: ACMG Guidelines, 2015. Collection method: clinical testing. Allele origin: germline. Affected: no.

Mayo Clinic Laboratories, Mayo Clinic
Classification: Benign. Last evaluated: 2020-06-23. Review status: criteria provided, single submitter. Criteria: ACMG Guidelines, 2015. Collection method: clinical testing. Allele origin: germline. Observed: 151 variant alleles.

Illumina Laboratory Services, Illumina
Classification: Benign for Autosomal recessive nonsyndromic hearing loss 25. Last evaluated: 2018-01-13. Review status: criteria provided, single submitter. Criteria: ICSL Variant Classification Criteria 13 December 2019. Collection method: clinical testing. Allele origin: germline.
Comment: This variant was observed in the ICSL laboratory as part of a predisposition screen in an ostensibly healthy population. It had not been previously curated by ICSL or reported in the Human Gene Mutation Database (HGMD: prior to June 1st, 2018), and was therefore a candidate for classification through an automated scoring system. Utilizing variant allele frequency, disease prevalence and penetrance estimates, and inheritance mode, an automated score was calculated to assess if this variant is too frequent to cause the disease. Based on the score and internal cut-off values, a variant classified as benign is not then subjected to further curation. The score for this variant resulted in a classification of benign for this disease.

GeneDx
Classification: Benign. Last evaluated: 2017-05-09. Review status: criteria provided, single submitter. Criteria: GeneDx Variant Classification (06012015). Collection method: clinical testing. Allele origin: germline. Affected: yes.
Comment: This variant is considered likely benign or benign based on one or more of the following criteria: it is a conservative change, it occurs at a poorly conserved position in the protein, it is predicted to be benign by multiple in silico algorithms, and/or has population frequency not consistent with disease.

Laboratory for Molecular Medicine, Mass General Brigham Personalized Medicine
Classification: Benign. Last evaluated: 2012-05-07. Review status: criteria provided, single submitter. Criteria: LMM Criteria. Collection method: clinical testing. Allele origin: germline. Observed: 1,392 variant alleles.
Comment: 627+8A>C in Intron 02 of GRXCR1: This variant is not expected to have clinical s ignificance because it is not located within the conserved splice consensus sequ ence and has been identified in 21.8% (1449/6634) of European American chromosom es from a broad population by the NHLBI Exome Sequencing Project (.; dbSNP rs10213360).

Breakthrough Genomics
Classification: Benign. Review status: criteria provided, single submitter. Criteria: ACMG Guidelines, 2015. Collection method: not provided. Allele origin: germline. Inheritance: Autosomal recessive inheritance. Affected: yes.

PreventionGenetics, part of Exact Sciences
Classification: Benign. Review status: criteria provided, single submitter. Criteria: ACMG Guidelines, 2015. Collection method: clinical testing. Allele origin: germline.

Diagnostic Laboratory, Department of Genetics, University Medical Center Groningen
Classification: Benign. Review status: no assertion criteria provided. Collection method: clinical testing. Allele origin: germline. Affected: yes. Study: VKGL Data-share Consensus. Not counted in ClinVar's aggregate classification.

Joint Genome Diagnostic Labs from Nijmegen and Maastricht, Radboudumc and MUMC+
Classification: Benign. Review status: no assertion criteria provided. Collection method: clinical testing. Allele origin: germline. Affected: yes. Study: VKGL Data-share Consensus. Not counted in ClinVar's aggregate classification.